The following is an entry in ClinVar:

ClinVar aggregate classification (germline): Uncertain significance. Review status: criteria provided, single submitter (1 of 4 stars). 2 submissions from 2 submitters: Uncertain significance (1). 1 of the submissions does not count toward it. Last evaluated 2025-03-03.

Conditions:
TBXA2R-related disorder. Also called: TBXA2R-related condition.

gnomAD v4.1: 12 of 1,531,228 alleles (0.00078%); highest among the groups gnomAD compares: Admixed American, 0.012%; no homozygotes.

Submissions (2):

Women's Health and Genetics/Laboratory Corporation of America, LabCorp
Classification: Uncertain significance. Last evaluated: 2025-03-03. Review status: criteria provided, single submitter. Criteria: LabCorp Variant Classification Summary - May 2015. Collection method: clinical testing. Allele origin: germline.
Comment: Variant summary: TBXA2R c.*715C>G is located in the untranslated mRNA region downstream of the termination codon. The variant allele was found at a frequency of 3.6e-05 in 140504 control chromosomes. The available data on variant occurrences in the general population are insufficient to allow any conclusion about variant significance. To our knowledge, no occurrence of c.*715C>G in individuals affected with Bleeding Diathesis Due To Thromboxane Synthesis Deficiency and no experimental evidence demonstrating its impact on protein function have been reported. ClinVar contains an entry for this variant (Variation ID: 3356145). Based on the evidence outlined above, the variant was classified as uncertain significance.

PreventionGenetics, part of Exact Sciences
Classification: Uncertain significance for TBXA2R-related condition. Last evaluated: 2024-09-15. Review status: no assertion criteria provided. Collection method: clinical testing. Allele origin: germline. Not counted in ClinVar's aggregate classification.
Comment: The TBXA2R c.1087C>G variant is predicted to result in the amino acid substitution p.Arg363Gly. To our knowledge, this variant has not been reported in the literature. This variant is reported in 0.020% of alleles in individuals of Latino descent in gnomAD. Although we suspect that this variant may be benign, at this time, the clinical significance of this variant is uncertain due to the absence of conclusive functional and genetic evidence.

NM_001060.6(TBXA2R):c.*715C>G

Gene: TBXA2R (thromboxane A2 receptor; minus strand). Cytogenetic location: 19p13.3.
Variant type: single nucleotide variant.
Coding change: c.*715C>G on transcript NM_001060.6 (MANE Select); 715 bases downstream of the stop codon, C replaced by G.
Molecular consequence: 3 prime UTR variant. On other transcripts: missense variant (1).
Genome position (GRCh38, 1-based): chr19:3,594,973, G>C on the plus strand (C>G on the coding strand, the complement: TBXA2R is on the minus strand). VCF-style: chr19-3594973-G-C. GRCh37 (hg19) VCF-style: chr19-3594971-G-C.
Other names: c.1087C>G, p.Arg363Gly (NM_201636.3); short protein forms R363G.
Identifiers: ClinVar variation 3356145 (VCV003356145.2).
Genomic context (GRCh38, chr19:3,594,973, plus strand): 5'-CAGGGTCAAAGAGCATGCAAGGCCGGGCGCAGTGGCTTACGCCTGTAATCCCAGCTGCTC[G>C]GGAGGCTGAGGCACGAGAATCGCTTGAACCCGGGAGGCGGAGGTTGCAGTGAGCCGAGAT-3'